The following is an entry in ClinVar:

NM_000051.4(ATM):c.4386C>T (p.Ala1462=)

Gene: ATM (ATM serine/threonine kinase; plus strand). Cytogenetic location: 11q22.3.
Variant type: single nucleotide variant.
Coding change: c.4386C>T on transcript NM_000051.4 (MANE Select); coding-DNA position 4386, C replaced by T.
Protein change: p.Ala1462=; no amino-acid change (alanine 1462 retained).
Molecular consequence: synonymous variant.
Genome position (GRCh38, 1-based): chr11:108,289,751, C>T. VCF-style: chr11-108289751-C-T. GRCh37 (hg19) VCF-style: chr11-108160478-C-T.
Other names: c.4386C>T, p.Ala1462= (NM_001351834.2).
Identifiers: ClinVar variation 799272 (VCV000799272.11), dbSNP rs1433672958, ClinGen allele CA476674009.

ClinVar aggregate classification (germline): Benign/Likely benign. Review status: criteria provided, multiple submitters, no conflicts (2 of 4 stars). 3 submissions from 3 submitters: Benign (1); Likely benign (2). Last evaluated 2024-05-17.

Conditions:
Ataxia-telangiectasia syndrome (AT). Also called: Ataxia-telangiectasia, complementation group E; Ataxia-telangiectasia, complementation group D; Ataxia telangiectasia (A-T); LOUIS-BAR SYNDROME; ATAXIA-TELANGIECTASIA, COMPLEMENTATION GROUP A; ATAXIA-TELANGIECTASIA, FRESNO VARIANT. Identifiers: Orphanet 100, MedGen C0004135, MONDO:0008840, OMIM 208900.
Hereditary cancer-predisposing syndrome. Also called: Neoplastic Syndromes, Hereditary; Hereditary Cancer Syndrome; Tumor predisposition; Hereditary neoplastic syndrome. Identifiers: Orphanet 140162, MedGen C0027672, MeSH D009386, MONDO:0015356.
Familial cancer of breast. Also called: BREAST CANCER, FAMILIAL; Hereditary breast cancer; hereditary breast carcinoma. Identifiers: Orphanet 227535, MedGen C0346153, MONDO:0016419, OMIM 114480. Disease mechanism: loss of function.

Submissions (3):

Myriad Genetics, Inc.
Classification: Benign for Familial cancer of breast. Last evaluated: 2024-05-17. Review status: criteria provided, single submitter. Criteria: Myriad Autosomal Dominant, Autosomal Recessive and X-Linked Classification Criteria (2023). Collection method: clinical testing. Allele origin: unknown.
Comment: This variant is considered benign. This variant is a silent/synonymous amino acid change and it is not expected to impact splicing.

Labcorp Genetics (formerly Invitae), Labcorp
Classification: Likely benign for Ataxia-telangiectasia syndrome. Last evaluated: 2022-03-31. Review status: criteria provided, single submitter. Criteria: Invitae Variant Classification Sherloc (09022015). Collection method: clinical testing. Allele origin: germline.

Ambry Genetics
Classification: Likely benign for Hereditary cancer-predisposing syndrome. Last evaluated: 2020-07-07. Review status: criteria provided, single submitter. Criteria: Ambry Variant Classification Scheme 2023. Collection method: clinical testing. Allele origin: germline.